The following is an entry in ClinVar:

ClinVar aggregate classification (germline): Conflicting classifications of pathogenicity. Review status: criteria provided, conflicting classifications (1 of 4 stars). 3 submissions from 3 submitters: Uncertain significance (1); Likely benign (2). Last evaluated 2026-01-15.

Conditions:
Inborn genetic diseases. Identifiers: MedGen C0950123, MeSH D030342.

Allele frequency attached by ClinVar (database versions not stated): ExAC 0.00002; TOPMed 0.00003; gnomAD exomes 0.00004.
gnomAD v4.1: 11 of 1,610,048 alleles (0.00068%); highest among the groups gnomAD compares: Admixed American, 0.017%; no homozygotes.

Submissions (3):

Labcorp Genetics (formerly Invitae), Labcorp
Classification: Likely benign. Last evaluated: 2026-01-15. Review status: criteria provided, single submitter. Criteria: Invitae Variant Classification Sherloc (09022015). Collection method: clinical testing. Allele origin: germline.

Blueprint Genetics
Classification: Likely benign. Last evaluated: 2022-09-29. Review status: criteria provided, single submitter. Criteria: ACMG Guidelines, 2015. Collection method: clinical testing. Allele origin: germline.

Ambry Genetics
Classification: Uncertain significance for Inborn genetic diseases. Last evaluated: 2022-08-11. Review status: criteria provided, single submitter. Criteria: Ambry Variant Classification Scheme 2023. Collection method: clinical testing. Allele origin: germline.
Comment: The c.574-5G>T intronic alteration consists of a G to T substitution 5 nucleotides before coding exon 6 in the KIF11 gene. Based on insufficient or conflicting evidence, the clinical significance of this alteration remains unclear.

NM_004523.4(KIF11):c.574-5G>T

Gene: KIF11 (kinesin family member 11; plus strand). Cytogenetic location: 10q23.33.
Variant type: single nucleotide variant.
Coding change: c.574-5G>T on transcript NM_004523.4 (MANE Select); 5 bases into the intron before coding-DNA position 574, G replaced by T.
Molecular consequence: intron variant.
Genome position (GRCh38, 1-based): chr10:92,609,380, G>T. VCF-style: chr10-92609380-G-T. GRCh37 (hg19) VCF-style: chr10-94369137-G-T.
Identifiers: ClinVar variation 748697 (VCV000748697.10), dbSNP rs781705800, ClinGen allele CA5604043.